The following is an entry in ClinVar:

ClinVar aggregate classification (germline): Pathogenic (1 of 4 stars; one submission).

Conditions:
Cardiovascular phenotype. Identifiers: MedGen CN230736.
Hereditary cancer-predisposing syndrome. Also called: Tumor predisposition; Hereditary neoplastic syndrome; Neoplastic Syndromes, Hereditary; Hereditary Cancer Syndrome. Identifiers: Orphanet 140162, MedGen C0027672, MeSH D009386, MONDO:0015356.

Submission:

Ambry Genetics
Classification: Pathogenic for Cardiovascular phenotype; Hereditary cancer-predisposing syndrome. Last evaluated: 2025-04-11. Review status: criteria provided, single submitter. Criteria: Ambry Variant Classification Scheme 2023. Collection method: clinical testing. Allele origin: germline.
Comment: The c.5850dupT pathogenic mutation, located in coding exon 39 of the NF1 gene, results from a duplication of T at nucleotide position 5850, causing a translational frameshift with a predicted alternate stop codon (p.T1951Yfs*5). This variant is considered to be rare based on population cohorts in the Genome Aggregation Database (gnomAD). This alteration is expected to result in loss of function by premature protein truncation or nonsense-mediated mRNA decay. As such, this alteration is interpreted as a disease-causing mutation.

NM_001042492.3(NF1):c.5913dup (p.Thr1972fs)

Gene: NF1 (neurofibromin 1; plus strand). Cytogenetic location: 17q11.2.
Variant type: Duplication.
Coding change: c.5913dup on transcript NM_001042492.3 (MANE Select); coding-DNA position 5913, one base duplicated (T; older notation c.5913dupT).
Protein change: p.Thr1972fs; shifts the reading frame from threonine 1972.
Molecular consequence: frameshift variant.
Genome position (GRCh38, 1-based): chr17:31,334,938, T duplicated; the last of 2 consecutive T bases (chr17:31,334,937-31,334,938); duplicating either gives the same sequence. VCF-style (leftmost placement, unchanged base first): chr17-31334936-G-GT. GRCh37 (hg19) VCF-style: chr17-29661954-G-GT.
Other names: c.5850dup, p.Thr1951Tyrfs (NM_000267.4); c.5850dupT (NM_000267.3); short protein forms T1951fs, T1972fs.
Identifiers: ClinVar variation 4020038 (VCV004020038.1).